The following is an entry in ClinVar:

ClinVar aggregate classification (germline): Likely benign. Review status: criteria provided, single submitter (1 of 4 stars). 2 submissions from 2 submitters: Likely benign (1). 1 of the submissions does not count toward it. Last evaluated 2025-10-27.

Conditions:
ORC4-related disorder. Also called: ORC4-related condition.

Allele frequency attached by ClinVar (database versions not stated): TOPMed 0.00002; gnomAD 0.00003; 1000 Genomes Project 30x 0.00016; 1000 Genomes Project 0.00020.
gnomAD v4.1: 20 of 1,610,978 alleles (0.0012%); highest among the groups gnomAD compares: East Asian, 0.042%; no homozygotes.

Submissions (2):

Labcorp Genetics (formerly Invitae), Labcorp
Classification: Likely benign. Last evaluated: 2025-10-27. Review status: criteria provided, single submitter. Criteria: Invitae Variant Classification Sherloc (09022015). Collection method: clinical testing. Allele origin: germline.

PreventionGenetics, part of Exact Sciences
Classification: Likely benign for ORC4-related condition. Last evaluated: 2019-06-17. Review status: no assertion criteria provided. Collection method: clinical testing. Allele origin: germline. Not counted in ClinVar's aggregate classification.
Comment: This variant is classified as likely benign based on ACMG/AMP sequence variant interpretation guidelines (Richards et al. 2015 PMID: 25741868, with internal and published modifications).

NM_181741.4(ORC4):c.507C>T (p.Asn169=)

Gene: ORC4 (origin recognition complex subunit 4; minus strand). Cytogenetic location: 2q23.1.
Variant type: single nucleotide variant.
Coding change: c.507C>T on transcript NM_181741.4 (MANE Select); coding-DNA position 507, C replaced by T.
Protein change: p.Asn169=; no amino-acid change (asparagine 169 retained).
Molecular consequence: synonymous variant.
Genome position (GRCh38, 1-based): chr2:147,952,454, G>A on the plus strand (C>T on the coding strand, the complement: ORC4 is on the minus strand). VCF-style: chr2-147952454-G-A. GRCh37 (hg19) VCF-style: chr2-148710023-G-A.
Other names: c.507C>T, p.Asn169= (NM_001190879.3, NM_001374270.1, NM_002552.5 and 1 more transcripts); c.255C>T, p.Asn85= (NM_001190881.3, NM_001374272.1); c.285C>T, p.Asn95= (NM_001190882.3).
Identifiers: ClinVar variation 3022236 (VCV003022236.5), dbSNP rs200458546, ClinGen allele CA1899580.